The following is an entry in ClinVar:

ClinVar aggregate classification (germline): Uncertain significance. Review status: criteria provided, multiple submitters, no conflicts (2 of 4 stars). 2 submissions from 2 submitters: Uncertain significance (2). Last evaluated 2025-12-10.

Conditions:
Hereditary cancer-predisposing syndrome. Also called: Hereditary Cancer Syndrome; Neoplastic Syndromes, Hereditary; Tumor predisposition; Hereditary neoplastic syndrome. Identifiers: Orphanet 140162, MedGen C0027672, MeSH D009386, MONDO:0015356.
Multiple endocrine neoplasia, type 2 (MEN2). Identifiers: Orphanet 653, MedGen C4048306, MONDO:0019003. Disease mechanism: gain of function.

Allele frequency attached by ClinVar (database versions not stated): gnomAD exomes below 0.00001.
gnomAD v4.1: 1 of 1,613,134 alleles (0.000062%); highest among the groups gnomAD compares: African/African-American, 0.0013%; no homozygotes.

Submissions (2):

Ambry Genetics
Classification: Uncertain significance for Hereditary cancer-predisposing syndrome. Last evaluated: 2025-12-10. Review status: criteria provided, single submitter. Criteria: Ambry Variant Classification Scheme 2023. Collection method: clinical testing. Allele origin: germline.
Comment: The p.T608A variant (also known as c.1822A>G), located in coding exon 10 of the RET gene, results from an A to G substitution at nucleotide position 1822. The threonine at codon 608 is replaced by alanine, an amino acid with similar properties. This amino acid position is conserved. In addition, the in silico prediction for this alteration is inconclusive. Based on the available evidence, the clinical significance of this variant remains unclear.

Labcorp Genetics (formerly Invitae), Labcorp
Classification: Uncertain significance for Multiple endocrine neoplasia, type 2. Last evaluated: 2024-09-30. Review status: criteria provided, single submitter. Criteria: Invitae Variant Classification Sherloc (09022015). Collection method: clinical testing. Allele origin: germline.
Comment: This sequence change replaces threonine, which is neutral and polar, with alanine, which is neutral and non-polar, at codon 608 of the RET protein (p.Thr608Ala). This variant is not present in population databases (gnomAD no frequency). This variant has not been reported in the literature in individuals affected with RET-related conditions. ClinVar contains an entry for this variant (Variation ID: 1976621). An algorithm developed to predict the effect of missense changes on protein structure and function (PolyPhen-2) suggests that this variant is likely to be tolerated. In summary, the available evidence is currently insufficient to determine the role of this variant in disease. Therefore, it has been classified as a Variant of Uncertain Significance.

NM_020975.6(RET):c.1822A>G (p.Thr608Ala)

Gene: RET (ret proto-oncogene; plus strand). Cytogenetic location: 10q11.21.
Variant type: single nucleotide variant.
Coding change: c.1822A>G on transcript NM_020975.6 (MANE Select); coding-DNA position 1822, A replaced by G.
Protein change: p.Thr608Ala; replaces threonine 608 with alanine.
Molecular consequence: missense variant.
Genome position (GRCh38, 1-based): chr10:43,113,618, A>G. VCF-style: chr10-43113618-A-G. GRCh37 (hg19) VCF-style: chr10-43609066-A-G.
Other names: c.1822A>G, p.Thr608Ala (NM_000323.2, NM_001406743.1, NM_001406744.1 and 6 more transcripts); c.1060A>G, p.Thr354Ala (NM_001355216.2); c.1693A>G, p.Thr565Ala (NM_001406761.1, NM_001406762.1, NM_001406764.1 and 1 more transcripts); c.1534A>G, p.Thr512Ala (NM_001406766.1, NM_001406767.1, NM_001406770.1); c.1426A>G, p.Thr476Ala (NM_001406769.1, NM_001406772.1); c.1384A>G, p.Thr462Ala (NM_001406771.1, NM_001406773.1); c.1297A>G, p.Thr433Ala (NM_001406774.1); c.1096A>G, p.Thr366Ala (NM_001406775.1, NM_001406776.1, NM_001406777.1 and 1 more transcripts); and 5 more; short protein forms T278A, T354A, T433A, T512A, T476A, T565A, T125A, T213A.
Identifiers: ClinVar variation 1976621 (VCV001976621.6), dbSNP rs2132829003, ClinGen allele CA376552753.
Genomic context (GRCh38, chr10:43,113,618, plus strand): 5'-GGCAGCATTGTTGGGGGACACGAGCCTGGGGAGCCCCGGGGGATTAAAGCTGGCTATGGC[A>G]CCTGCAACTGCTTCCCTGAGGAGGAGAAGTGCTTCTGCGAGCCCGAAGACATCCAGGGTG-3'
Protein context (NP_066124.1, residues 598-618): EPRGIKAGYG[Thr608Ala]CNCFPEEEKC